The following is an entry in ClinVar:

NM_007194.4(CHEK2):c.793-7A>C

Gene: CHEK2 (checkpoint kinase 2; minus strand). Cytogenetic location: 22q12.1.
Variant type: single nucleotide variant.
Coding change: c.793-7A>C on transcript NM_007194.4 (MANE Select); 7 bases into the intron before coding-DNA position 793, A replaced by C.
Molecular consequence: intron variant.
Genome position (GRCh38, 1-based): chr22:28,710,066, T>G on the plus strand (A>C on the coding strand, the complement: CHEK2 is on the minus strand). VCF-style: chr22-28710066-T-G. GRCh37 (hg19) VCF-style: chr22-29106054-T-G.
Other names: c.130-7A>C (NM_001437942.1, NM_001257387.3); c.592-7A>C (NM_001349956.3); c.793-7A>C (NM_145862.3); c.886-7A>C (NM_001438295.1, NM_001438293.1); c.922-7A>C (NM_001438294.1, NM_001005735.3).
Identifiers: ClinVar variation 3772913 (VCV003772913.1).
Genomic context (GRCh38, chr22:28,710,066, plus strand): 5'-ATGATTTAGCTTTTTCAAAATTTCTATTTCTGTTTCAACATTGAGAGCTGGGTCCTTTGA[T>G]AAACAGAATAACAGAGTTTATTAGTAATAATAATTGCCAATATTTAAAAAAACATTTACA-3'

ClinVar aggregate classification (germline): Likely benign (1 of 4 stars; one submission).

Conditions:
Familial cancer of breast. Also called: Hereditary breast cancer; BREAST CANCER, FAMILIAL; hereditary breast carcinoma. Identifiers: Orphanet 227535, MedGen C0346153, MONDO:0016419, OMIM 114480. Disease mechanism: loss of function.

Submission:

Myriad Genetics, Inc.
Classification: Likely benign for Familial cancer of breast. Last evaluated: 2024-10-03. Review status: criteria provided, single submitter. Criteria: Myriad Autosomal Dominant, Autosomal Recessive and X-Linked Classification Criteria (2023). Collection method: clinical testing. Allele origin: unknown.
Comment: This variant is considered likely benign. This variant is intronic and is not expected to impact mRNA splicing.